The following is an entry in ClinVar:

NM_001130823.3(DNMT1):c.932C>A (p.Ala311Asp)

Gene: DNMT1 (DNA methyltransferase 1; minus strand). Cytogenetic location: 19p13.2.
Variant type: single nucleotide variant.
Coding change: c.932C>A on transcript NM_001130823.3 (MANE Select); coding-DNA position 932, C replaced by A.
Protein change: p.Ala311Asp; replaces alanine 311 with aspartic acid.
Molecular consequence: missense variant.
Genome position (GRCh38, 1-based): chr19:10,162,743, G>T on the plus strand (C>A on the coding strand, the complement: DNMT1 is on the minus strand). VCF-style: chr19-10162743-G-T. GRCh37 (hg19) VCF-style: chr19-10273419-G-T.
Other names: c.884C>A, p.Ala295Asp (NM_001318730.2, NM_001379.4); c.569C>A, p.Ala190Asp (NM_001318731.2); short protein forms A295D, A190D, A311D.
Identifiers: ClinVar variation 4740526 (VCV004740526.1).

ClinVar aggregate classification (germline): Uncertain significance (1 of 4 stars; one submission).

Conditions:
Hereditary sensory neuropathy-deafness-dementia syndrome. Also called: NEUROPATHY, HEREDITARY SENSORY, WITH HEARING LOSS AND DEMENTIA; Hereditary Sensory and Autonomic Neuropathy Type 1E (HSAN1E); HSN IE; Hereditary sensory neuropathy type IE. Identifiers: Orphanet 456318, MedGen C3279885, MONDO:0013584, OMIM 614116.

gnomAD v4.1: 3 of 1,613,906 alleles (0.00019%); highest among the groups gnomAD compares: African/African-American, 0.004%; no homozygotes.

Submission:

Labcorp Genetics (formerly Invitae), Labcorp
Classification: Uncertain significance for Hereditary sensory neuropathy-deafness-dementia syndrome. Last evaluated: 2025-12-01. Review status: criteria provided, single submitter. Criteria: Invitae Variant Classification Sherloc (09022015). Collection method: clinical testing. Allele origin: germline.
Comment: This sequence change replaces alanine, which is neutral and non-polar, with aspartic acid, which is acidic and polar, at codon 311 of the DNMT1 protein (p.Ala311Asp). This variant is not present in population databases (gnomAD no frequency). This variant has not been reported in the literature in individuals affected with DNMT1-related conditions. An algorithm developed to predict the effect of missense changes on protein structure and function (PolyPhen-2) suggests that this variant is likely to be tolerated. In summary, the available evidence is currently insufficient to determine the role of this variant in disease. Therefore, it has been classified as a Variant of Uncertain Significance.